The following is an entry in ClinVar:

NM_007294.4(BRCA1):c.328A>G (p.Lys110Glu)

Gene: BRCA1 (BRCA1 DNA repair associated; minus strand). Cytogenetic location: 17q21.31.
Variant type: single nucleotide variant.
Coding change: c.328A>G on transcript NM_007294.4 (MANE Select); coding-DNA position 328, A replaced by G.
Protein change: p.Lys110Glu; replaces lysine 110 with glutamic acid.
Molecular consequence: missense variant. On other transcripts: non-coding transcript variant (1).
Genome position (GRCh38, 1-based): chr17:43,104,235, T>C on the plus strand (A>G on the coding strand, the complement: BRCA1 is on the minus strand). VCF-style: chr17-43104235-T-C. GRCh37 (hg19) VCF-style: chr17-41256252-T-C.
Other names: c.187A>G, p.Lys63Glu (NM_001407738.1, NM_001407740.1, NM_001407741.1 and 99 more transcripts); c.250A>G, p.Lys84Glu (NM_001408414.1, NM_001408415.1, NM_001408416.1 and 21 more transcripts); c.328A>G, p.Lys110Glu (NM_001408421.1, NM_001408418.1, NM_001408419.1 and 165 more transcripts); c.118A>G, p.Lys40Glu (NM_001408507.1, NM_001408508.1, NM_001408509.1 and 58 more transcripts); c.-54A>G (NM_001408510.1, NM_001408512.1, NM_001407959.1 and 4 more transcripts); c.319A>G, p.Lys107Glu (NM_001407646.1, NM_001407647.1, NM_001408408.1); c.196A>G, p.Lys66Glu (NM_001408451.1); short protein forms K110E, K63E, K107E, K40E, K66E, K84E.
Identifiers: ClinVar variation 240790 (VCV000240790.10), dbSNP rs878854946, ClinGen allele CA10583594.

ClinVar aggregate classification (germline): Uncertain significance (1 of 4 stars; one submission).

Conditions:
Hereditary breast ovarian cancer syndrome. Also called: Hereditary breast and ovarian cancer syndrome; Hereditary breast and ovarian cancer; Hereditary breast and ovarian cancer syndrome (HBOC); Hereditary breast and/or ovarian cancer syndrome; Breast and ovarian cancer; BRCA1- and BRCA2-Associated Hereditary Breast and Ovarian Cancer. Identifiers: Orphanet 145, MedGen C0677776, MeSH D061325, MONDO:0003582. Disease mechanism: loss of function.

Submission:

Labcorp Genetics (formerly Invitae), Labcorp
Classification: Uncertain significance for Hereditary breast ovarian cancer syndrome. Last evaluated: 2022-07-27. Review status: criteria provided, single submitter. Criteria: Invitae Variant Classification Sherloc (09022015). Collection method: clinical testing. Allele origin: germline.
Comment: This sequence change replaces lysine, which is basic and polar, with glutamic acid, which is acidic and polar, at codon 110 of the BRCA1 protein (p.Lys110Glu). This variant is not present in population databases (gnomAD no frequency). This variant has not been reported in the literature in individuals affected with BRCA1-related conditions. ClinVar contains an entry for this variant (Variation ID: 240790). Advanced modeling of protein sequence and biophysical properties (such as structural, functional, and spatial information, amino acid conservation, physicochemical variation, residue mobility, and thermodynamic stability) performed at Invitae indicates that this missense variant is not expected to disrupt BRCA1 protein function. In summary, the available evidence is currently insufficient to determine the role of this variant in disease. Therefore, it has been classified as a Variant of Uncertain Significance.